The following is an entry in ClinVar:

NM_001166108.2(PALLD):c.1965-12597C>G

Gene: PALLD (palladin, cytoskeletal associated protein; plus strand). Cytogenetic location: 4q32.3.
Variant type: single nucleotide variant.
Coding change: c.1965-12597C>G on transcript NM_001166108.2 (MANE Select); 12597 bases into the intron before coding-DNA position 1965, C replaced by G.
Molecular consequence: intron variant. On other transcripts: missense variant (1).
Genome position (GRCh38, 1-based): chr4:168,878,325, C>G. VCF-style: chr4-168878325-C-G. GRCh37 (hg19) VCF-style: chr4-169799476-C-G.
Other names: c.434C>G, p.Ala145Gly (NM_001166110.2); c.1965-12597C>G (NM_016081.4); c.819-12597C>G (NM_001166109.2); c.-157-12597C>G (NM_001367570.1, NM_001367568.1, NM_001367567.1 and 1 more transcripts); short protein forms A145G.
Identifiers: ClinVar variation 2717676 (VCV002717676.3), dbSNP rs1221751077, ClinGen allele CA358796676.

ClinVar aggregate classification (germline): Uncertain significance (1 of 4 stars; one submission).

Conditions:
Pancreatic adenocarcinoma. Identifiers: MedGen C0281361, MONDO:0006047, HP:0006725.

Submission:

Labcorp Genetics (formerly Invitae), Labcorp
Classification: Uncertain significance for Pancreatic adenocarcinoma. Last evaluated: 2023-04-16. Review status: criteria provided, single submitter. Criteria: Invitae Variant Classification Sherloc (09022015). Collection method: clinical testing. Allele origin: germline.
Comment: In summary, the available evidence is currently insufficient to determine the role of this variant in disease. Therefore, it has been classified as a Variant of Uncertain Significance. An algorithm developed to predict the effect of missense changes on protein structure and function (PolyPhen-2) suggests that this variant is likely to be tolerated. This variant has not been reported in the literature in individuals affected with PALLD-related conditions. This variant is not present in population databases (gnomAD no frequency). This sequence change replaces alanine, which is neutral and non-polar, with glycine, which is neutral and non-polar, at codon 145 of the PALLD protein (p.Ala145Gly).